The following is an entry in ClinVar:

ClinVar aggregate classification (germline): Uncertain significance (1 of 4 stars; one submission).

Submission:

Labcorp Genetics (formerly Invitae), Labcorp
Classification: Uncertain significance. Last evaluated: 2023-04-22. Review status: criteria provided, single submitter. Criteria: Invitae Variant Classification Sherloc (09022015). Collection method: clinical testing. Allele origin: germline.
Comment: An algorithm developed to predict the effect of missense changes on protein structure and function (PolyPhen-2) suggests that this variant is likely to be tolerated. In summary, the available evidence is currently insufficient to determine the role of this variant in disease. Therefore, it has been classified as a Variant of Uncertain Significance. This variant has not been reported in the literature in individuals affected with ERBIN-related conditions. The frequency data for this variant in the population databases is considered unreliable, as metrics indicate poor data quality at this position in the gnomAD database. This sequence change replaces asparagine, which is neutral and polar, with lysine, which is basic and polar, at codon 632 of the ERBIN protein (p.Asn632Lys).

NM_001253697.2(ERBIN):c.1896C>A (p.Asn632Lys)

Gene: ERBIN (erbb2 interacting protein; plus strand). Cytogenetic location: 5q12.3.
Variant type: single nucleotide variant.
Coding change: c.1896C>A on transcript NM_001253697.2 (MANE Select); coding-DNA position 1896, C replaced by A.
Protein change: p.Asn632Lys; replaces asparagine 632 with lysine.
Molecular consequence: missense variant.
Genome position (GRCh38, 1-based): chr5:66,048,774, C>A. VCF-style: chr5-66048774-C-A. GRCh37 (hg19) VCF-style: chr5-65344602-C-A.
Other names: c.1896C>A, p.Asn632Lys (NM_001006600.3, NM_001253698.2, NM_001253699.2 and 1 more transcripts); c.1884C>A, p.Asn628Lys (NM_001253701.2); short protein forms N632K, N628K.
Identifiers: ClinVar variation 3007527 (VCV003007527.3), dbSNP rs1561423416, ClinGen allele CA359863665.